The following is an entry in ClinVar:

NM_018699.4(PRDM5):c.895G>T (p.Val299Leu)

Gene: PRDM5 (PR/SET domain 5; minus strand). Cytogenetic location: 4q27.
Variant type: single nucleotide variant.
Coding change: c.895G>T on transcript NM_018699.4 (MANE Select); coding-DNA position 895, G replaced by T.
Protein change: p.Val299Leu; replaces valine 299 with leucine.
Molecular consequence: missense variant.
Genome position (GRCh38, 1-based): chr4:120,811,420, C>A on the plus strand (G>T on the coding strand, the complement: PRDM5 is on the minus strand). VCF-style: chr4-120811420-C-A. GRCh37 (hg19) VCF-style: chr4-121732575-C-A.
Other names: c.802G>T, p.Val268Leu (NM_001300823.2, NM_001300824.2, NM_001379106.1); c.895G>T, p.Val299Leu (NM_001379104.1); short protein forms V299L, V268L.
Identifiers: ClinVar variation 3309802 (VCV003309802.3).
Genomic context (GRCh38, chr4:120,811,420, plus strand): 5'-TCTTACTGACCTTTCTATGTTCCTGTAGGCTTGATGCTGAAGAACACTTTTTATTGCACA[C>A]TGAACATATAAGCTTTTTCTTAGGATCTCCTAAAATAGAAATAAAATACCATGATGATTT-3'
Protein context (NP_061169.2, residues 289-309): GDPKKKLICS[Val299Leu]CNKKCSSASS

ClinVar aggregate classification (germline): Uncertain significance. Review status: criteria provided, multiple submitters, no conflicts (2 of 4 stars). 2 submissions from 2 submitters: Uncertain significance (2). Last evaluated 2025-12-02.

Conditions:
Cardiovascular phenotype. Identifiers: MedGen CN230736.

gnomAD v4.1: 5 of 1,601,802 alleles (0.00031%); highest among the groups gnomAD compares: Admixed American, 0.0084%; no homozygotes.

Submissions (2):

Ambry Genetics
Classification: Uncertain significance for Cardiovascular phenotype. Last evaluated: 2025-12-02. Review status: criteria provided, single submitter. Criteria: Ambry Variant Classification Scheme 2023. Collection method: clinical testing. Allele origin: germline.

GeneDx
Classification: Uncertain significance. Last evaluated: 2024-10-15. Review status: criteria provided, single submitter. Criteria: GeneDx Variant Classification Process June 2021. Collection method: clinical testing. Allele origin: germline. Affected: yes.
Comment: Has not been previously published as pathogenic or benign to our knowledge; Not observed at a significant frequency in large population cohorts (gnomAD); In silico analysis indicates that this missense variant does not alter protein structure/function